The following is an entry in ClinVar:

NM_207122.2(EXT2):c.1074del (p.Asp357_Trp358insTer)

Gene: EXT2 (exostosin glycosyltransferase 2; plus strand). Cytogenetic location: 11p11.2.
Variant type: Deletion.
Coding change: c.1074del on transcript NM_207122.2 (MANE Select); coding-DNA position 1074, one base deleted (G; older notation c.1074delG).
Protein change: p.Asp357_Trp358insTer.
Molecular consequence: nonsense.
Genome position (GRCh38, 1-based): chr11:44,126,950, G deleted; the last of 2 consecutive G bases (chr11:44,126,949-44,126,950); deleting either gives the same sequence. VCF-style (leftmost placement, unchanged base first): chr11-44126948-TG-T. GRCh37 (hg19) VCF-style: chr11-44148498-TG-T.
Other names: c.1173del, p.Asp390_Trp391insTer (NM_000401.3); c.1074del, p.Asp357_Trp358insTer (NM_001178083.3, NM_001389628.1, NM_001389630.1).
Identifiers: ClinVar variation 3775475 (VCV003775475.1).

ClinVar aggregate classification (germline): Likely pathogenic (1 of 4 stars; one submission).

Conditions:
Exostoses, multiple, type 2 (EXT2). Also called: Hereditary Multiple Osteochondromatosis, Type II; EXOSTOSES, MULTIPLE, TYPE II. Identifiers: Orphanet 321, MedGen C1851413, MONDO:0007586, OMIM 133701.

Submission:

3billion
Classification: Likely pathogenic for Exostoses, multiple, type 2. Last evaluated: 2023-09-24. Review status: criteria provided, single submitter. Criteria: ACMG Guidelines, 2015. Collection method: clinical testing. Allele origin: germline. Affected: yes.
Comment: The variant is not observed in the gnomAD v2.1.1 dataset. Predicted Consequence/Location: Stop-gained (nonsense): predicted to result in a loss or disruption of normal protein function through nonsense-mediated decay (NMD) or protein truncation. Multiple pathogenic variants are reported downstream of the variant. Therefore, this variant is classified as Likely pathogenic according to the recommendation of ACMG/AMP guideline.